The following is an entry in ClinVar:

ClinVar aggregate classification (germline): Uncertain significance (1 of 4 stars; one submission).

Conditions:
LAMA2-related muscular dystrophy (LAMA2-RD). Also called: Laminin alpha 2-related dystrophy. Identifiers: MedGen C5679788, MONDO:0100228.

Submission:

Labcorp Genetics (formerly Invitae), Labcorp
Classification: Uncertain significance for LAMA2-related muscular dystrophy. Last evaluated: 2024-12-16. Review status: criteria provided, single submitter. Criteria: Invitae Variant Classification Sherloc (09022015). Collection method: clinical testing. Allele origin: germline.
Comment: This sequence change replaces threonine, which is neutral and polar, with isoleucine, which is neutral and non-polar, at codon 1599 of the LAMA2 protein (p.Thr1599Ile). This variant is not present in population databases (gnomAD no frequency). This variant has not been reported in the literature in individuals affected with LAMA2-related conditions. Invitae Evidence Modeling of protein sequence and biophysical properties (such as structural, functional, and spatial information, amino acid conservation, physicochemical variation, residue mobility, and thermodynamic stability) indicates that this missense variant is not expected to disrupt LAMA2 protein function with a negative predictive value of 95%. In summary, the available evidence is currently insufficient to determine the role of this variant in disease. Therefore, it has been classified as a Variant of Uncertain Significance.

NM_000426.4(LAMA2):c.4796C>T (p.Thr1599Ile)

Gene: LAMA2 (laminin subunit alpha 2; plus strand). Cytogenetic location: 6q22.33.
Variant type: single nucleotide variant.
Coding change: c.4796C>T on transcript NM_000426.4 (MANE Select); coding-DNA position 4796, C replaced by T.
Protein change: p.Thr1599Ile; replaces threonine 1599 with isoleucine.
Molecular consequence: missense variant.
Genome position (GRCh38, 1-based): chr6:129,366,297, C>T. VCF-style: chr6-129366297-C-T. GRCh37 (hg19) VCF-style: chr6-129687442-C-T.
Other names: c.4796C>T, p.Thr1599Ile (NM_001079823.2); short protein forms T1599I.
Identifiers: ClinVar variation 3635322 (VCV003635322.2).